The following is an entry in ClinVar:

ClinVar aggregate classification (germline): VUS-high (1 of 4 stars; one submission).

Conditions:
Microangiopathy and leukoencephalopathy, pontine, autosomal dominant. Also called: DEMENTIA, HEREDITARY MULTI-INFARCT, SWEDISH TYPE; Pontine autosomal dominant microangiopathy with leukoencephalopathy. Identifiers: Orphanet 477749, MedGen C5231411, MONDO:0032814, OMIM 618564.

Submission:

Center for Human Genetics and Genomic Medicine, Uniklinik Rwth Aachen
Classification: VUS-high for Microangiopathy and leukoencephalopathy, pontine, autosomal dominant. Last evaluated: 2026-03-24. Review status: criteria provided, single submitter. Criteria: ACMG Guidelines, 2015. Collection method: clinical testing. Allele origin: germline. Affected: yes. Observed: 1 variant allele.
Comment: PVS1_Supporting, PM1, PM2_Supporting, PP3: In the general population (gnomAD v4.1.0), the variant has not been detected to date (PM2_supporting). The variant causes a frameshift, which is typically associated with a loss of protein function. However, because the alteration is located far in the C‑terminal region of the protein, the transcript is highly unlikely to undergo nonsense‑mediated decay (NMD). In this case, the frameshift results in the production of an elongated protein with potentially altered properties and, in the case of the COL4A1 gene, may lead to an isolated nephropathy. A clearly pathogenic effect of this alteration cannot currently be demonstrated, meaning that it may also represent a clinically non‑relevant variant (PVS1_supporting, PM1, PP3).

NM_001845.6(COL4A1):c.4965_4968dup (p.Thr1657fs)

Gene: COL4A1 (collagen type IV alpha 1 chain; minus strand). Cytogenetic location: 13q34.
Variant type: Microsatellite.
Coding change: c.4965_4968dup on transcript NM_001845.6 (MANE Select); coding-DNA positions 4965 to 4968, 4 bases duplicated (GCGC; older notation c.4965_4968dupGCGC).
Protein change: p.Thr1657fs; shifts the reading frame from threonine 1657.
Molecular consequence: frameshift variant.
Genome position (GRCh38, 1-based): chr13:110,150,405-110,150,408, GCGC duplicated on the plus strand (GCGC on the coding strand, the reverse complement: COL4A1 is on the minus strand). VCF-style (leftmost placement, unchanged base first): chr13-110150404-T-TGCGC. GRCh37 (hg19) VCF-style: chr13-110802751-T-TGCGC.
Other names: short protein forms T1657fs.
Identifiers: ClinVar variation 4819697 (VCV004819697.1).